The following is an entry in ClinVar:

ClinVar aggregate classification (germline): Uncertain significance. Review status: criteria provided, multiple submitters, no conflicts (2 of 4 stars). 2 submissions from 2 submitters: Uncertain significance (2). Last evaluated 2023-11-29.

Conditions:
Hereditary cancer-predisposing syndrome. Also called: Neoplastic Syndromes, Hereditary; Hereditary Cancer Syndrome; Tumor predisposition; Hereditary neoplastic syndrome. Identifiers: Orphanet 140162, MedGen C0027672, MeSH D009386, MONDO:0015356.
Lynch syndrome 5 (LYNCH5). Also called: Hereditary non-polyposis colorectal cancer, type 5; Colorectal cancer, hereditary nonpolyposis, type 5. Identifiers: Orphanet 144, MedGen C1833477, MONDO:0013710, OMIM 614350. Disease mechanism: loss of function.

Allele frequency attached by ClinVar (database versions not stated): TOPMed below 0.00001.

Submissions (2):

Ambry Genetics
Classification: Uncertain significance for Hereditary cancer-predisposing syndrome. Last evaluated: 2023-11-29. Review status: criteria provided, single submitter. Criteria: Ambry Variant Classification Scheme 2023. Collection method: clinical testing. Allele origin: germline.
Comment: The p.E1023Q variant (also known as c.3067G>C), located in coding exon 4 of the MSH6 gene, results from a G to C substitution at nucleotide position 3067. The glutamic acid at codon 1023 is replaced by glutamine, an amino acid with highly similar properties. This amino acid position is conserved. In addition, this alteration is predicted to be deleterious by in silico analysis. Since supporting evidence is limited at this time, the clinical significance of this alteration remains unclear.

MVZ Martinsried, Medicover Genetics
Classification: Uncertain significance for Lynch syndrome 5. Last evaluated: 2023-11-07. Review status: criteria provided, single submitter. Criteria: ACGS Guidelines, 2020. Collection method: clinical testing. Allele origin: unknown. Affected: yes.

NM_000179.3(MSH6):c.3067G>C (p.Glu1023Gln)

Gene: MSH6 (mutS homolog 6; plus strand). Cytogenetic location: 2p16.3.
Variant type: single nucleotide variant.
Coding change: c.3067G>C on transcript NM_000179.3 (MANE Select); coding-DNA position 3067, G replaced by C.
Protein change: p.Glu1023Gln; replaces glutamic acid 1023 with glutamine.
Molecular consequence: missense variant. On other transcripts: non-coding transcript variant (5), intron variant (2).
Genome position (GRCh38, 1-based): chr2:47,801,050, G>C. VCF-style: chr2-47801050-G-C. GRCh37 (hg19) VCF-style: chr2-48028189-G-C.
Other names: c.2677G>C, p.Glu893Gln (NM_001281492.2); c.2161G>C, p.Glu721Gln (NM_001281493.2, NM_001281494.2, NM_001406811.1 and 6 more transcripts); c.3163G>C, p.Glu1055Gln (NM_001406795.1, NM_001406802.1); c.3067G>C, p.Glu1023Gln (NM_001406796.1, NM_001406798.1, NM_001406800.1 and 2 more transcripts); c.2770G>C, p.Glu924Gln (NM_001406797.1, NM_001406801.1, NM_001406805.1 and 10 more transcripts); c.2542G>C, p.Glu848Gln (NM_001406799.1, NM_001406806.1, NM_001406807.1); c.2989G>C, p.Glu997Gln (NM_001406804.1); c.3073G>C, p.Glu1025Gln (NM_001406813.1); and 4 more; short protein forms E1023Q, E1025Q, E1055Q, E338Q, E721Q, E848Q, E893Q, E924Q.
Identifiers: ClinVar variation 2683985 (VCV002683985.2), dbSNP rs267608059, ClinGen allele CA346756538.
Genomic context (GRCh38, chr2:47,801,050, plus strand): 5'-TGTAAACGATACTGGACCAAAACTATTGAAAAGAAGTTGGCTAATCTCATAAATGCTGAA[G>C]AACGGAGGGATGTATCATTGAAGGACTGCATGCGGCGACTGTTCTATAACTTTGATAAAA-3'
Protein context (NP_000170.1, residues 1013-1033): KKLANLINAE[Glu1023Gln]RRDVSLKDCM